The following is an entry in ClinVar:

ClinVar aggregate classification (germline): Pathogenic/Likely pathogenic. Review status: criteria provided, multiple submitters, no conflicts (2 of 4 stars). 3 submissions from 3 submitters: Pathogenic (1); Likely pathogenic (1). 1 of the submissions does not count toward it. Last evaluated 2023-11-05.

Conditions:
Niemann-Pick disease, type C (NPC). Identifiers: Orphanet 646, MedGen C0220756, MONDO:0018982.
Niemann-Pick disease, type C1. Also called: NEUROVISCERAL STORAGE DISEASE WITH VERTICAL SUPRANUCLEAR OPHTHALMOPLEGIA; NIEMANN-PICK DISEASE WITH CHOLESTEROL ESTERIFICATION BLOCK; NIEMANN-PICK DISEASE WITHOUT SPHINGOMYELINASE DEFICIENCY; NIEMANN-PICK DISEASE, CHRONIC NEURONOPATHIC FORM; NIEMANN-PICK DISEASE, VARIANT TYPE C1. Identifiers: Orphanet 646, MedGen C3179455, MONDO:0009757, OMIM 257220.

Allele frequency attached by ClinVar (database versions not stated): TOPMed below 0.00001.
gnomAD v4.1: 1 of 1,614,186 alleles (0.000062%); highest among the groups gnomAD compares: Non-Finnish European, 0.000085%; no homozygotes.

Submissions (3):

Labcorp Genetics (formerly Invitae), Labcorp
Classification: Pathogenic for Niemann-Pick disease, type C1. Last evaluated: 2023-11-05. Review status: criteria provided, single submitter. Criteria: Invitae Variant Classification Sherloc (09022015). Collection method: clinical testing. Allele origin: germline.
Comment: This sequence change creates a premature translational stop signal (p.Tyr890*) in the NPC1 gene. It is expected to result in an absent or disrupted protein product. Loss-of-function variants in NPC1 are known to be pathogenic (PMID: 9211850). This variant is present in population databases (rs780592540, gnomAD 0.0009%). This premature translational stop signal has been observed in individual(s) with Niemann-Pick Type C (PMID: 11349231). ClinVar contains an entry for this variant (Variation ID: 495788). For these reasons, this variant has been classified as Pathogenic.

Women's Health and Genetics/Laboratory Corporation of America, LabCorp
Classification: Likely pathogenic for Niemann-Pick disease, type C. Last evaluated: 2017-08-03. Review status: criteria provided, single submitter. Criteria: LabCorp Variant Classification Summary - May 2015. Collection method: clinical testing. Allele origin: germline.
Comment: Variant summary: The c.2670 (p.Tyr890*) variant in NPC1 gene is a nonsense change that results in the loss of the 389 amino acids of the protein (~30%). This change is predicted to cause loss of normal protein function through protein truncation or nonsense-mediated mRNA decay. The variant is present in the large control population dataset of ExAC at a low frequency of 8.238e-06 (1/121384 chrs tested), which does not exceed the maximal expected frequency of a pathogenic allele (0.0027) in this gene. The variant has been identified in compound heterozygosity with known pathogenic allele in affected siblings presented with the classical biochemical phenotype NPC-1 characterized by massive lysosomal/ LE accumulation of unesterified cholesterol in cultured fibroblasts. Taken together, the variant was classified as Likely Pathogenic.

Counsyl
Classification: Likely pathogenic for Niemann-Pick disease, type C1. Last evaluated: 2017-02-01. Review status: no assertion criteria provided. Collection method: clinical testing. Allele origin: unknown. Not counted in ClinVar's aggregate classification.

Literature cited by the submitters: PubMed 9211850 (cited by Labcorp Genetics (formerly Invitae), Labcorp); PubMed 11349231 (cited by 3 submitters).

NM_000271.5(NPC1):c.2670C>G (p.Tyr890Ter)

Gene: NPC1 (NPC intracellular cholesterol transporter 1; minus strand). Cytogenetic location: 18q11.2.
Variant type: single nucleotide variant.
Coding change: c.2670C>G on transcript NM_000271.5 (MANE Select); coding-DNA position 2670, C replaced by G.
Protein change: p.Tyr890Ter; replaces tyrosine 890 with a stop codon.
Molecular consequence: nonsense.
Genome position (GRCh38, 1-based): chr18:23,539,936, G>C on the plus strand (C>G on the coding strand, the complement: NPC1 is on the minus strand). VCF-style: chr18-23539936-G-C. GRCh37 (hg19) VCF-style: chr18-21119900-G-C.
Other names: short protein forms Y890*.
Identifiers: ClinVar variation 495788 (VCV000495788.5), dbSNP rs780592540, ClinGen allele CA8913003.
Genomic context (GRCh38, chr18:23,539,936, plus strand): 5'-GCCGCACACCATGTTCTGCCCCTTGGAAGAAGTGTAGTCGTGCCCTTCCTCCAGGACAAA[G>C]TACACAGGCGGACCCGCATGCAGGTACTGACTGATGGATTTGAAATAATCCACCATGTAG-3'